The following is an entry in ClinVar:

NM_005188.4(CBL):c.1700G>A (p.Cys567Tyr)

Gene: CBL (Cbl proto-oncogene; plus strand). Cytogenetic location: 11q23.3.
Variant type: single nucleotide variant.
Coding change: c.1700G>A on transcript NM_005188.4 (MANE Select); coding-DNA position 1700, G replaced by A.
Protein change: p.Cys567Tyr; replaces cysteine 567 with tyrosine.
Molecular consequence: missense variant.
Genome position (GRCh38, 1-based): chr11:119,285,325, G>A. VCF-style: chr11-119285325-G-A. GRCh37 (hg19) VCF-style: chr11-119156035-G-A.
Other names: c.1700G>A (NM_005188.2); short protein forms C567Y.
Identifiers: ClinVar variation 1041341 (VCV001041341.9), dbSNP rs1949974480, ClinGen allele CA382919716.

ClinVar aggregate classification (germline): Uncertain significance. Review status: criteria provided, multiple submitters, no conflicts (2 of 4 stars). 2 submissions from 2 submitters: Uncertain significance (2). Last evaluated 2025-07-15.

Conditions:
RASopathy. Also called: rasopathies; Noonan spectrum disorder. Identifiers: Orphanet 536391, MedGen C5555857, MONDO:0021060.
Cardiovascular phenotype. Identifiers: MedGen CN230736.

Submissions (2):

Ambry Genetics
Classification: Uncertain significance for Cardiovascular phenotype. Last evaluated: 2025-07-15. Review status: criteria provided, single submitter. Criteria: Ambry Variant Classification Scheme 2023. Collection method: clinical testing. Allele origin: germline.
Comment: The p.C567Y variant (also known as c.1700G>A), located in coding exon 11 of the CBL gene, results from a G to A substitution at nucleotide position 1700. The cysteine at codon 567 is replaced by tyrosine, an amino acid with highly dissimilar properties. This amino acid position is conserved. In addition, the in silico prediction for this alteration is inconclusive. Based on the available evidence, the clinical significance of this variant remains unclear.

Labcorp Genetics (formerly Invitae), Labcorp
Classification: Uncertain significance for RASopathy. Last evaluated: 2020-08-17. Review status: criteria provided, single submitter. Criteria: Invitae Variant Classification Sherloc (09022015). Collection method: clinical testing. Allele origin: germline.
Comment: Advanced modeling of protein sequence and biophysical properties (such as structural, functional, and spatial information, amino acid conservation, physicochemical variation, residue mobility, and thermodynamic stability) performed at Invitae indicates that this missense variant is not expected to disrupt CBL protein function. This variant has not been reported in the literature in individuals with CBL-related conditions. This variant is not present in population databases (ExAC no frequency). This sequence change replaces cysteine with tyrosine at codon 567 of the CBL protein (p.Cys567Tyr). The cysteine residue is weakly conserved and there is a large physicochemical difference between cysteine and tyrosine. In summary, the available evidence is currently insufficient to determine the role of this variant in disease. Therefore, it has been classified as a Variant of Uncertain Significance.